The following is an entry in ClinVar:

NM_000090.4(COL3A1):c.253T>C (p.Cys85Arg)

Gene: COL3A1 (collagen type III alpha 1 chain; plus strand). Cytogenetic location: 2q32.2.
Variant type: single nucleotide variant.
Coding change: c.253T>C on transcript NM_000090.4 (MANE Select); coding-DNA position 253, T replaced by C.
Protein change: p.Cys85Arg; replaces cysteine 85 with arginine.
Molecular consequence: missense variant.
Genome position (GRCh38, 1-based): chr2:188,984,933, T>C. VCF-style: chr2-188984933-T-C. GRCh37 (hg19) VCF-style: chr2-189849659-T-C.
Other names: short protein forms C85R.
Identifiers: ClinVar variation 1716189 (VCV001716189.6), dbSNP rs2469106363, ClinGen allele CA349847375.

ClinVar aggregate classification (germline): Uncertain significance (1 of 4 stars; one submission).

Conditions:
Ehlers-Danlos syndrome, type 4 (EDSVASC). Also called: Ehlers-Danlos syndrome vascular type; Ehlers Danlos syndrome, ecchymotic type; Ehlers Danlos syndrome, arterial type; Ehlers Danlos syndrome, Sack-Barabas type; Ehlers-Danlos Syndrome Type IV. Identifiers: Orphanet 286, MedGen C0268338, MONDO:0017314, OMIM 130050.

Submission:

Labcorp Genetics (formerly Invitae), Labcorp
Classification: Uncertain significance for Ehlers-Danlos syndrome, type 4. Last evaluated: 2022-09-16. Review status: criteria provided, single submitter. Criteria: Invitae Variant Classification Sherloc (09022015). Collection method: clinical testing. Allele origin: germline.
Comment: Advanced modeling of protein sequence and biophysical properties (such as structural, functional, and spatial information, amino acid conservation, physicochemical variation, residue mobility, and thermodynamic stability) performed at Invitae indicates that this missense variant is expected to disrupt COL3A1 protein function. This variant has not been reported in the literature in individuals affected with COL3A1-related conditions. This variant is not present in population databases (gnomAD no frequency). This sequence change replaces cysteine, which is neutral and slightly polar, with arginine, which is basic and polar, at codon 85 of the COL3A1 protein (p.Cys85Arg). In summary, the available evidence is currently insufficient to determine the role of this variant in disease. Therefore, it has been classified as a Variant of Uncertain Significance.